The following is an entry in ClinVar:

NM_152564.5(VPS13B):c.8269A>G (p.Thr2757Ala)

Gene: VPS13B (vacuolar protein sorting 13 homolog B; plus strand). Cytogenetic location: 8q22.2.
Variant type: single nucleotide variant.
Coding change: c.8269A>G on transcript NM_152564.5 (MANE Select); coding-DNA position 8269, A replaced by G.
Protein change: p.Thr2757Ala; replaces threonine 2757 with alanine.
Molecular consequence: missense variant.
Genome position (GRCh38, 1-based): chr8:99,817,711, A>G. VCF-style: chr8-99817711-A-G. GRCh37 (hg19) VCF-style: chr8-100829939-A-G.
Other names: c.8344A>G (NM_017890.4); c.8344A>G, p.Thr2782Ala (NM_017890.5); short protein forms T2782A, T2757A.
Identifiers: ClinVar variation 1497583 (VCV001497583.9), dbSNP rs750066675, ClinGen allele CA4824416.

ClinVar aggregate classification (germline): Uncertain significance. Review status: criteria provided, single submitter (1 of 4 stars). 2 submissions from 2 submitters: Uncertain significance (1). 1 of the submissions does not count toward it. Last evaluated 2025-12-24.

Conditions:
Cohen syndrome (COH1). Also called: Cutis verticis gyrata, retinitis pigmentosa, and sensorineural deafness; PEPPER SYNDROME. Identifiers: Orphanet 193, MedGen C0265223, MONDO:0008999, OMIM 216550.

Allele frequency attached by ClinVar (database versions not stated): gnomAD exomes below 0.00001; ExAC 0.00001.
gnomAD v4.1: 5 of 1,614,080 alleles (0.00031%); highest among the groups gnomAD compares: Non-Finnish European, 0.00042%; no homozygotes.

Submissions (2):

Labcorp Genetics (formerly Invitae), Labcorp
Classification: Uncertain significance for Cohen syndrome. Last evaluated: 2025-12-24. Review status: criteria provided, single submitter. Criteria: Invitae Variant Classification Sherloc (09022015). Collection method: clinical testing. Allele origin: germline.
Comment: This sequence change replaces threonine, which is neutral and polar, with alanine, which is neutral and non-polar, at codon 2782 of the VPS13B protein (p.Thr2782Ala). This variant is present in population databases (rs750066675, gnomAD 0.0009%). This variant has not been reported in the literature in individuals affected with VPS13B-related conditions. ClinVar contains an entry for this variant (Variation ID: 1497583). Invitae Evidence Modeling of protein sequence and biophysical properties (such as structural, functional, and spatial information, amino acid conservation, physicochemical variation, residue mobility, and thermodynamic stability) indicates that this missense variant is expected to disrupt VPS13B protein function with a positive predictive value of 80%. In summary, the available evidence is currently insufficient to determine the role of this variant in disease. Therefore, it has been classified as a Variant of Uncertain Significance.

Natera, Inc.
Classification: Uncertain significance for Cohen syndrome. Last evaluated: 2025-04-18. Review status: no assertion criteria provided. Collection method: clinical testing. Allele origin: germline. Not counted in ClinVar's aggregate classification.